The following is an entry in ClinVar:

ClinVar aggregate classification (germline): Uncertain significance (1 of 4 stars; one submission).

Conditions:
Fanconi anemia complementation group J. Also called: BRIP1-Related Fanconi Anemia. Identifiers: Orphanet 84, MedGen C1836860, MONDO:0012187, OMIM 609054.
Familial cancer of breast. Also called: BREAST CANCER, FAMILIAL; Hereditary breast cancer; hereditary breast carcinoma. Identifiers: Orphanet 227535, MedGen C0346153, MONDO:0016419, OMIM 114480. Disease mechanism: loss of function.

Submission:

Labcorp Genetics (formerly Invitae), Labcorp
Classification: Uncertain significance for Familial cancer of breast; Fanconi anemia complementation group J. Last evaluated: 2024-02-13. Review status: criteria provided, single submitter. Criteria: Invitae Variant Classification Sherloc (09022015). Collection method: clinical testing. Allele origin: germline.
Comment: This sequence change replaces glutamic acid, which is acidic and polar, with glycine, which is neutral and non-polar, at codon 751 of the BRIP1 protein (p.Glu751Gly). This variant is not present in population databases (gnomAD no frequency). This variant has not been reported in the literature in individuals affected with BRIP1-related conditions. Advanced modeling of protein sequence and biophysical properties (such as structural, functional, and spatial information, amino acid conservation, physicochemical variation, residue mobility, and thermodynamic stability) performed at Invitae indicates that this missense variant is not expected to disrupt BRIP1 protein function with a negative predictive value of 80%. In summary, the available evidence is currently insufficient to determine the role of this variant in disease. Therefore, it has been classified as a Variant of Uncertain Significance.

NM_032043.3(BRIP1):c.2252A>G (p.Glu751Gly)

Gene: BRIP1 (BRCA1 interacting DNA helicase 1; minus strand). Cytogenetic location: 17q23.2.
Variant type: single nucleotide variant.
Coding change: c.2252A>G on transcript NM_032043.3 (MANE Select); coding-DNA position 2252, A replaced by G.
Protein change: p.Glu751Gly; replaces glutamic acid 751 with glycine.
Molecular consequence: missense variant.
Genome position (GRCh38, 1-based): chr17:61,744,437, T>C on the plus strand (A>G on the coding strand, the complement: BRIP1 is on the minus strand). VCF-style: chr17-61744437-T-C. GRCh37 (hg19) VCF-style: chr17-59821798-T-C.
Other names: short protein forms E751G.
Identifiers: ClinVar variation 3754605 (VCV003754605.2).
Genomic context (GRCh38, chr17:61,744,437, plus strand): 5'-CTTACTTTGTAATAAAAAATATTTTTTCACCGACCATGAAATAATTTCCAGTTACCTTTC[T>C]CTCCTTTGTATTTGATTGCGTCATAGTACACCTGCAGTAATTCATCAAAATTTGTTTTTT-3'
Protein context (NP_114432.2, residues 741-761): VYYDAIKYKG[Glu751Gly]KDGALLVAVC